The following is an entry in ClinVar:

NM_152564.5(VPS13B):c.1206+33T>G

Gene: VPS13B (vacuolar protein sorting 13 homolog B; plus strand). Cytogenetic location: 8q22.2.
Variant type: single nucleotide variant.
Coding change: c.1206+33T>G on transcript NM_152564.5 (MANE Select); 33 bases into the intron after coding-DNA position 1206, T replaced by G.
Molecular consequence: intron variant. On other transcripts: nonsense (1), non-coding transcript variant (1).
Genome position (GRCh38, 1-based): chr8:99,121,478, T>G. VCF-style: chr8-99121478-T-G. GRCh37 (hg19) VCF-style: chr8-100133706-T-G.
Other names: c.1239T>G, p.Tyr413Ter (NM_181661.3); c.1206+33T>G (NM_017890.5, NM_015243.3); short protein forms Y413*.
Identifiers: ClinVar variation 262657 (VCV000262657.11), dbSNP rs7460625, ClinGen allele CA4822564.
Genomic context (GRCh38, chr8:99,121,478, plus strand): 5'-TTGCACAAAGGCAACGGTGACTTTCAAAGTAGGTCTTTTCTCTTGCTGTTTATATCTCTA[T>G]CAACTTTAATGCTTAAATTTGGATTGTTAGTACAATTCTAGCTTTATTCAAGTTTGCTTT-3'

ClinVar aggregate classification (germline): Benign. Review status: criteria provided, multiple submitters, no conflicts (2 of 4 stars). 9 submissions from 9 submitters: Benign (8). 1 of the submissions does not count toward it. Last evaluated 2024-11-27.

Conditions:
Cohen syndrome (COH1). Also called: PEPPER SYNDROME; Cutis verticis gyrata, retinitis pigmentosa, and sensorineural deafness. Identifiers: Orphanet 193, MedGen C0265223, MONDO:0008999, OMIM 216550.

Allele frequency attached by ClinVar (database versions not stated): gnomAD exomes 0.73858 and 0.78137; gnomAD 0.74023 and 0.73774; ExAC 0.75035; ESP Exome Variant Server 0.75565; 1000 Genomes Project 30x 0.70159; 1000 Genomes Project 0.70507; TOPMed 0.71776.
gnomAD v4.1: 1,252,125 of 1,610,834 alleles (78%); highest among the groups gnomAD compares: South Asian, 87%; 490,782 homozygotes.

Submissions (9):

Blueprint Genetics
Classification: Benign. Last evaluated: 2024-11-27. Review status: criteria provided, single submitter. Criteria: ACMG Guidelines, 2015. Collection method: clinical testing. Allele origin: germline.

Genome-Nilou Lab
Classification: Benign for Cohen syndrome. Last evaluated: 2021-07-01. Review status: criteria provided, single submitter. Criteria: ACMG Guidelines, 2015. Collection method: clinical testing. Allele origin: germline. Affected: no.

Laboratory for Molecular Medicine, Mass General Brigham Personalized Medicine
Classification: Benign. Last evaluated: 2016-03-28. Review status: criteria provided, single submitter. Criteria: LMM Criteria. Collection method: clinical testing. Allele origin: germline.
Comment: Variant identified in a genome or exome case(s) and assessed due to predicted null impact of the variant or pathogenic assertions in the literature or databases. Disclaimer: This variant has not undergone full assessment. The following are preliminary notes: MAF

GeneDx
Classification: Benign. Last evaluated: 2015-09-08. Review status: criteria provided, single submitter. Criteria: GeneDx Variant Classification (06012015). Collection method: clinical testing. Allele origin: germline. Affected: yes.
Comment: This variant is considered likely benign or benign based on one or more of the following criteria: it is a conservative change, it occurs at a poorly conserved position in the protein, it is predicted to be benign by multiple in silico algorithms, and/or has population frequency not consistent with disease.

Clinical Genetics DNA and cytogenetics Diagnostics Lab, Erasmus MC, Erasmus Medical Center
Classification: Benign for Cohen syndrome. Last evaluated: 2015-07-02. Review status: criteria provided, single submitter. Criteria: ACGS Guidelines, 2013. Collection method: clinical testing. Allele origin: germline. Affected: yes. Study: VKGL Data-share Consensus.

Genome Diagnostics Laboratory, University Medical Center Utrecht
Classification: Benign for Cohen syndrome. Last evaluated: 2014-10-09. Review status: criteria provided, single submitter. Criteria: ACGS Guidelines, 2013. Collection method: clinical testing. Allele origin: germline. Affected: yes. Study: VKGL Data-share Consensus.

Breakthrough Genomics
Classification: Benign. Review status: criteria provided, single submitter. Criteria: ACMG Guidelines, 2015. Collection method: not provided. Allele origin: germline. Inheritance: Autosomal recessive inheritance. Affected: yes.

PreventionGenetics, part of Exact Sciences
Classification: Benign. Review status: criteria provided, single submitter. Criteria: ACMG Guidelines, 2015. Collection method: clinical testing. Allele origin: germline.

Diagnostic Laboratory, Department of Genetics, University Medical Center Groningen
Classification: Benign for Cohen syndrome. Review status: no assertion criteria provided. Collection method: clinical testing. Allele origin: germline. Affected: yes. Study: VKGL Data-share Consensus. Not counted in ClinVar's aggregate classification.